The following is an entry in ClinVar:

NM_014317.5(PDSS1):c.228-3_228dup

Gene: PDSS1 (decaprenyl diphosphate synthase subunit 1; plus strand). Cytogenetic location: 10p12.1.
Variant type: Duplication.
Coding change: c.228-3_228dup on transcript NM_014317.5 (MANE Select); 3 bases into the intron before coding-DNA position 228 through coding-DNA position 228, 4 bases duplicated (CAGG; older notation c.228-3_228dupCAGG).
Molecular consequence: splice acceptor variant.
Genome position (GRCh38, 1-based): chr10:26,705,283-26,705,286, CAGG duplicated. VCF-style (leftmost placement, unchanged base first): chr10-26705282-C-CCAGG. GRCh37 (hg19) VCF-style: chr10-26994211-C-CCAGG.
Other names: c.-366-3_-366dup (NM_001321979.2); c.228-3_228dup (NM_001321978.2).
Identifiers: ClinVar variation 2055005 (VCV002055005.4), dbSNP rs2491518877, ClinGen allele CA2580081415.
Genomic context (GRCh38, chr10:26,705,282, plus strand): 5'-CTAAATATATATGTATATAAAACTTACTTGAAAATGAAGTCATGTGCATTTTTGCATGTC[C>CCAGG]CAGGTTTCATCACACAACCCCAGACAGTAAAACACACAGTGGTGAAAAATACACCGATCC-3'

ClinVar aggregate classification (germline): Uncertain significance (1 of 4 stars; one submission).

Submission:

Labcorp Genetics (formerly Invitae), Labcorp
Classification: Uncertain significance. Last evaluated: 2023-07-17. Review status: criteria provided, single submitter. Criteria: Invitae Variant Classification Sherloc (09022015). Collection method: clinical testing. Allele origin: germline.
Comment: In summary, the available evidence is currently insufficient to determine the role of this variant in disease. Therefore, it has been classified as a Variant of Uncertain Significance. Algorithms developed to predict the effect of sequence changes on RNA splicing suggest that this variant may create or strengthen a splice site. ClinVar contains an entry for this variant (Variation ID: 2055005). This variant has not been reported in the literature in individuals affected with PDSS1-related conditions. This variant is not present in population databases (gnomAD no frequency). This sequence change falls in intron 3 of the PDSS1 gene. It does not directly change the encoded amino acid sequence of the PDSS1 protein.